The following is an entry in ClinVar:

ClinVar aggregate classification (germline): Conflicting classifications of pathogenicity. Review status: criteria provided, conflicting classifications (1 of 4 stars). 8 submissions from 8 submitters: Likely pathogenic (5); Uncertain significance (2). 1 of the submissions does not count toward it. Last evaluated 2025-12-12.

Conditions:
ATM-related cancer predisposition. Also called: ATM-related cancer susceptibility. Identifiers: MedGen CN377759, MONDO:0700270.
Familial cancer of breast. Also called: Hereditary breast cancer; BREAST CANCER, FAMILIAL; hereditary breast carcinoma. Identifiers: Orphanet 227535, MedGen C0346153, MONDO:0016419, OMIM 114480. Disease mechanism: loss of function.
Ataxia-telangiectasia syndrome (AT). Also called: Ataxia telangiectasia (A-T); Cerebello-oculocutaneous telangiectasia; Immunodeficiency with ataxia telangiectasia; Ataxia-telangiectasia; Ataxia-telangiectasia, complementation group D; AT, COMPLEMENTATION GROUP C. Identifiers: Orphanet 100, MedGen C0004135, MONDO:0008840, OMIM 208900.
Hereditary cancer-predisposing syndrome. Also called: Hereditary neoplastic syndrome; Neoplastic Syndromes, Hereditary; Hereditary Cancer Syndrome; Tumor predisposition. Identifiers: Orphanet 140162, MedGen C0027672, MeSH D009386, MONDO:0015356.

Submissions (8):

Ambry Genetics
Classification: Uncertain significance for Hereditary cancer-predisposing syndrome. Last evaluated: 2025-12-12. Review status: criteria provided, single submitter. Criteria: Ambry Variant Classification Scheme 2023. Collection method: clinical testing. Allele origin: germline.
Comment: The c.-30-1G>T intronic variant is located in the 5' untranslated region (5&rsquo; UTR) of the ATM gene. This intronic variant results from an G to T substitution 31 nucleotides upstream from the first translated codon. This alteration has been identified in an individual diagnosed with breast and ovarian cancers and was reported to cause skipping of coding exon 1 (Shirts BH et al. Genet. Med. 2016 10;18:974-81). This nucleotide position is well conserved in available vertebrate species. In silico splice site analysis predicts that this alteration will weaken the native splice acceptor site and may result in the creation or strengthening of a novel splice acceptor site. RNA studies have demonstrated that this alteration causes skipping of coding exon 1, but also activates a cryptic acceptor site 4 nucleotides downstream from the native site (Casadei S et al. Proc. Natl. Acad. Sci. U.S.A. 2019 Dec; Ambry internal data). The resulting transcript from this cryptic acceptor site removes only 4 nucleotides from the 5'UTR; the clinical relevance of the loss of these nucleotides is unknown at this time. Based on the available evidence, the clinical significance of this variant remains unclear.

Fulgent Genetics
Classification: Likely pathogenic for Familial cancer of breast; Ataxia-telangiectasia syndrome. Last evaluated: 2024-05-02. Review status: criteria provided, single submitter. Criteria: ACMG Guidelines, 2015. Collection method: clinical testing. Allele origin: germline.

Baylor Genetics
Classification: Likely pathogenic for Familial cancer of breast. Last evaluated: 2024-03-17. Review status: criteria provided, single submitter. Criteria: ACMG Guidelines, 2015. Collection method: clinical testing. Allele origin: unknown.

GeneDx
Classification: Uncertain significance. Last evaluated: 2023-03-09. Review status: criteria provided, single submitter. Criteria: GeneDx Variant Classification Process June 2021. Collection method: clinical testing. Allele origin: germline. Affected: yes.
Comment: RNA studies demonstrate aberrant splicing resulting in multiple transcripts including skipping of exon 2 as well as a predominant transcript lacking 4bp in the 5' UTR, the significance of which is unknown (Casadei et al., 2019; External communication with Ambry Genetics); Identified in an individual with personal and family history of ATM-related cancer (Shirts et al., 2016); In silico analysis supports a deleterious effect on splicing; Not observed in large population cohorts (gnomAD); This variant is associated with the following publications: (PMID: 26845104, 31843900)

Color Diagnostics, LLC DBA Color Health
Classification: Likely pathogenic for Hereditary cancer-predisposing syndrome. Last evaluated: 2021-06-22. Review status: criteria provided, single submitter. Criteria: ACMG Guidelines, 2015. Collection method: clinical testing. Allele origin: germline.
Comment: This variant causes a G to T nucleotide substitution at the -1 position of intron 1 of the ATM gene. Splice site prediction tools predict that this variant may have a significant impact on RNA splicing. RNA studies have reported that this variant leads to multiple aberrant RNA transcripts (PMID: 26845104, 31843900). One transcript deletes the exon 2, including the translation start codon, of the ATM gene. This aberrant transcript is expected to result in an absent or non-functional protein product. The other transcript contains a deletion of 4 nucleotides in the 5′ untranslated region (c.-30_-27del). The impact of this transcript on the ATM protein expression is unclear. This variant has been reported in an individual affected with breast and ovarian cancer (PMID: 26845104). This variant has not been identified in the general population by the Genome Aggregation Database (gnomAD). Loss of ATM function is a known mechanism of disease. Based on the available evidence, this variant is classified as Likely Pathogenic. It is however important to note that due to the incomplete impact on RNA splicing, the associated cancer risk may be different from other pathogenic ATM variants. Medical management should be considered based on the individual’s personal and family history.

University of Washington Department of Laboratory Medicine, University of Washington
Classification: Likely pathogenic for Hereditary cancer-predisposing syndrome. Last evaluated: 2015-11-20. Review status: criteria provided, single submitter. Criteria: Shirts et al. (Genet Med 2016). Collection method: clinical testing. Allele origin: germline. Affected: yes. Observed: 1 variant allele.

Department of Pathology and Laboratory Medicine, Sinai Health System
Classification: Likely pathogenic for ATM-related cancer predisposition. Review status: criteria provided, single submitter. Criteria: ACMG Guidelines, 2015. Collection method: clinical testing. Allele origin: germline.

King Laboratory, University of Washington
Classification: Pathogenic for Familial cancer of breast. Last evaluated: 2019-09-01. Review status: no assertion criteria provided. Collection method: research. Allele origin: germline. Affected: yes. Not counted in ClinVar's aggregate classification.
Comment: Transcript analysis by cBROCA

Literature cited by the submitters: PubMed 26845104 (cited by Ambry Genetics); PubMed 31843900 (cited by Ambry Genetics and King Laboratory, University of Washington).

NM_000051.4(ATM):c.-30-1G>T

Gene: ATM (ATM serine/threonine kinase; plus strand). Cytogenetic location: 11q22.3.
Variant type: single nucleotide variant.
Coding change: c.-30-1G>T on transcript NM_000051.4 (MANE Select); the canonical splice acceptor site of the intron before 30 bases upstream of the start codon, G replaced by T.
Molecular consequence: splice acceptor variant.
Genome position (GRCh38, 1-based): chr11:108,227,594, G>T. VCF-style: chr11-108227594-G-T. GRCh37 (hg19) VCF-style: chr11-108098321-G-T.
Other names: c.-30-1G>T (NM_001351834.2, NM_001351835.2, NM_001351836.2).
Identifiers: ClinVar variation 224517 (VCV000224517.22), dbSNP rs869312754, ClinGen allele CA353500.